The following is an entry in ClinVar:

ClinVar aggregate classification (germline): Uncertain significance. Review status: criteria provided, multiple submitters, no conflicts (2 of 4 stars). 2 submissions from 2 submitters: Uncertain significance (2). Last evaluated 2023-08-21.

Conditions:
Inborn genetic diseases. Identifiers: MedGen C0950123, MeSH D030342.

Allele frequency attached by ClinVar (database versions not stated): 1000 Genomes Project 0.00020; gnomAD exomes 0.00002 and 0.00008; ExAC 0.00003; gnomAD 0.00006 and 0.00007; TOPMed 0.00006; ESP Exome Variant Server 0.00008; 1000 Genomes Project 30x 0.00016.
gnomAD v4.1: 127 of 1,613,858 alleles (0.0079%); highest among the groups gnomAD compares: Non-Finnish European, 0.01%; no homozygotes.

Submissions (2):

Ambry Genetics
Classification: Uncertain significance for Inborn genetic diseases. Last evaluated: 2023-08-21. Review status: criteria provided, single submitter. Criteria: Ambry Variant Classification Scheme 2023. Collection method: clinical testing. Allele origin: germline.

Labcorp Genetics (formerly Invitae), Labcorp
Classification: Uncertain significance. Last evaluated: 2021-09-01. Review status: criteria provided, single submitter. Criteria: Invitae Variant Classification Sherloc (09022015). Collection method: clinical testing. Allele origin: germline.
Comment: This sequence change replaces methionine with isoleucine at codon 289 of the KIAA1549 protein (p.Met289Ile). The methionine residue is weakly conserved and there is a small physicochemical difference between methionine and isoleucine. This variant is present in population databases (rs376472972, ExAC 0.005%). This variant has not been reported in the literature in individuals affected with KIAA1549-related conditions. Algorithms developed to predict the effect of missense changes on protein structure and function (SIFT, PolyPhen-2, Align-GVGD) all suggest that this variant is likely to be tolerated. In summary, the available evidence is currently insufficient to determine the role of this variant in disease. Therefore, it has been classified as a Variant of Uncertain Significance.

NM_001164665.2(KIAA1549):c.867G>A (p.Met289Ile)

Gene: KIAA1549 (KIAA1549; minus strand). Cytogenetic location: 7q34.
Variant type: single nucleotide variant.
Coding change: c.867G>A on transcript NM_001164665.2 (MANE Select); coding-DNA position 867, G replaced by A.
Protein change: p.Met289Ile; replaces methionine 289 with isoleucine.
Molecular consequence: missense variant.
Genome position (GRCh38, 1-based): chr7:138,918,759, C>T on the plus strand (G>A on the coding strand, the complement: KIAA1549 is on the minus strand). VCF-style: chr7-138918759-C-T. GRCh37 (hg19) VCF-style: chr7-138603505-C-T.
Other names: c.867G>A, p.Met289Ile (NM_020910.3); short protein forms M289I.
Identifiers: ClinVar variation 964468 (VCV000964468.8), dbSNP rs376472972, ClinGen allele CA4506846.